The following is an entry in ClinVar:

ClinVar aggregate classification (germline): Uncertain significance (1 of 4 stars; one submission).

Allele frequency attached by ClinVar (database versions not stated): TOPMed 0.00002; gnomAD 0.00003.
gnomAD v4.1: 6 of 1,597,718 alleles (0.00038%); highest among the groups gnomAD compares: Middle Eastern, 0.018%; no homozygotes.

Submission:

Labcorp Genetics (formerly Invitae), Labcorp
Classification: Uncertain significance. Last evaluated: 2024-10-23. Review status: criteria provided, single submitter. Criteria: Invitae Variant Classification Sherloc (09022015). Collection method: clinical testing. Allele origin: germline.
Comment: This sequence change replaces alanine, which is neutral and non-polar, with threonine, which is neutral and polar, at codon 725 of the COL4A2 protein (p.Ala725Thr). The frequency data for this variant in the population databases is considered unreliable, as metrics indicate poor data quality at this position in the gnomAD database. This variant has not been reported in the literature in individuals affected with COL4A2-related conditions. ClinVar contains an entry for this variant (Variation ID: 2174826). Invitae Evidence Modeling of protein sequence and biophysical properties (such as structural, functional, and spatial information, amino acid conservation, physicochemical variation, residue mobility, and thermodynamic stability) indicates that this missense variant is not expected to disrupt COL4A2 protein function with a negative predictive value of 95%. In summary, the available evidence is currently insufficient to determine the role of this variant in disease. Therefore, it has been classified as a Variant of Uncertain Significance.

NM_001846.4(COL4A2):c.2173G>A (p.Ala725Thr)

Gene: COL4A2 (collagen type IV alpha 2 chain; plus strand). Cytogenetic location: 13q34.
Variant type: single nucleotide variant.
Coding change: c.2173G>A on transcript NM_001846.4 (MANE Select); coding-DNA position 2173, G replaced by A.
Protein change: p.Ala725Thr; replaces alanine 725 with threonine.
Molecular consequence: missense variant.
Genome position (GRCh38, 1-based): chr13:110,469,294, G>A. VCF-style: chr13-110469294-G-A. GRCh37 (hg19) VCF-style: chr13-111121641-G-A.
Other names: short protein forms A725T.
Identifiers: ClinVar variation 2174826 (VCV002174826.4), dbSNP rs769608611, ClinGen allele CA7049861.